The following is an entry in ClinVar:

ClinVar aggregate classification (germline): Uncertain significance. Review status: criteria provided, multiple submitters, no conflicts (2 of 4 stars). 2 submissions from 2 submitters: Uncertain significance (2). Last evaluated 2025-06-29.

Conditions:
Cystic fibrosis (CF). Also called: MUCOVISCIDOSIS. Identifiers: Orphanet 586, MedGen C0010674, MONDO:0009061, OMIM 219700. Disease mechanism: loss of function.

Submissions (2):

Ambry Genetics
Classification: Uncertain significance for Cystic fibrosis. Last evaluated: 2025-06-29. Review status: criteria provided, single submitter. Criteria: Ambry Variant Classification Scheme 2023. Collection method: clinical testing. Allele origin: germline.
Comment: The p.Q1330R variant (also known as c.3989A>G), located in coding exon 25 of the CFTR gene, results from an A to G substitution at nucleotide position 3989. The glutamine at codon 1330 is replaced by arginine, an amino acid with highly similar properties. This amino acid position is conserved. In addition, this alteration is predicted to be deleterious by in silico analysis. Based on the available evidence, the clinical significance of this variant remains unclear.

Labcorp Genetics (formerly Invitae), Labcorp
Classification: Uncertain significance for Cystic fibrosis. Last evaluated: 2022-03-21. Review status: criteria provided, single submitter. Criteria: Invitae Variant Classification Sherloc (09022015). Collection method: clinical testing. Allele origin: germline.
Comment: This sequence change replaces glutamine, which is neutral and polar, with arginine, which is basic and polar, at codon 1330 of the CFTR protein (p.Gln1330Arg). In summary, the available evidence is currently insufficient to determine the role of this variant in disease. Therefore, it has been classified as a Variant of Uncertain Significance. Algorithms developed to predict the effect of missense changes on protein structure and function (SIFT, PolyPhen-2, Align-GVGD) all suggest that this variant is likely to be tolerated. This variant has not been reported in the literature in individuals affected with CFTR-related conditions. This variant is not present in population databases (gnomAD no frequency).

NM_000492.4(CFTR):c.3989A>G (p.Gln1330Arg)

Gene: CFTR (CF transmembrane conductance regulator; plus strand). Cytogenetic location: 7q31.2.
Variant type: single nucleotide variant.
Coding change: c.3989A>G on transcript NM_000492.4 (MANE Select); coding-DNA position 3989, A replaced by G.
Protein change: p.Gln1330Arg; replaces glutamine 1330 with arginine.
Molecular consequence: missense variant.
Genome position (GRCh38, 1-based): chr7:117,664,713, A>G. VCF-style: chr7-117664713-A-G. GRCh37 (hg19) VCF-style: chr7-117304767-A-G.
Other names: short protein forms Q1330R.
Identifiers: ClinVar variation 2172852 (VCV002172852.5), dbSNP rs1793340034, ClinGen allele CA368982002.
Genomic context (GRCh38, chr7:117,664,713, plus strand): 5'-CTCTGTGGTATCTGAACTATCTTCTCTAACTGCAGGTTGGGCTCAGATCTGTGATAGAAC[A>G]GTTTCCTGGGAAGCTTGACTTTGTCCTTGTGGATGGGGGCTGTGTCCTAAGCCATGGCCA-3'
Protein context (NP_000483.3, residues 1320-1340): DEVGLRSVIE[Gln1330Arg]FPGKLDFVLV